The following is an entry in ClinVar:

ClinVar aggregate classification (germline): Benign. Review status: criteria provided, multiple submitters, no conflicts (2 of 4 stars). 3 submissions from 3 submitters: Benign (3). Last evaluated 2025-03-03.

Allele frequency attached by ClinVar (database versions not stated): 1000 Genomes Project 0.01278; TOPMed 0.01338; 1000 Genomes Project 30x 0.01405; ExAC 0.00401; gnomAD 0.01194 and 0.01285; gnomAD exomes 0.00120 and 0.00311; ESP Exome Variant Server 0.01376.
gnomAD v4.1: 3,625 of 1,614,042 alleles (0.22%); highest among the groups gnomAD compares: African/African-American, 4.3%; 74 homozygotes.

Submissions (3):

Mayo Clinic Laboratories, Mayo Clinic
Classification: Benign. Last evaluated: 2025-03-03. Review status: criteria provided, single submitter. Criteria: ACMG Guidelines, 2015. Collection method: clinical testing. Allele origin: germline. Observed: 3 variant alleles.
Comment: BS1, BS2, BP4, BP7

Labcorp Genetics (formerly Invitae), Labcorp
Classification: Benign. Last evaluated: 2019-12-31. Review status: criteria provided, single submitter. Criteria: Invitae Variant Classification Sherloc (09022015). Collection method: clinical testing. Allele origin: germline.

Breakthrough Genomics
Classification: Benign. Review status: criteria provided, single submitter. Criteria: ACMG Guidelines, 2015. Collection method: not provided. Allele origin: germline. Inheritance: Unknown mechanism. Affected: yes.

NM_015268.4(DNAJC13):c.5979C>T (p.Ala1993=)

Gene: DNAJC13 (DnaJ heat shock protein family (Hsp40) member C13; plus strand). Cytogenetic location: 3q22.1.
Variant type: single nucleotide variant.
Coding change: c.5979C>T on transcript NM_015268.4 (MANE Select); coding-DNA position 5979, C replaced by T.
Protein change: p.Ala1993=; no amino-acid change (alanine 1993 retained).
Molecular consequence: synonymous variant.
Genome position (GRCh38, 1-based): chr3:132,523,632, C>T. VCF-style: chr3-132523632-C-T. GRCh37 (hg19) VCF-style: chr3-132242476-C-T.
Other names: p.Ala1993=; c.5994C>T, p.Ala1998= (NM_001329126.2).
Identifiers: ClinVar variation 778112 (VCV000778112.6), dbSNP rs61741053, ClinGen allele CA2619997.